The following is an entry in ClinVar:

ClinVar aggregate classification (germline): Uncertain significance. Review status: criteria provided, multiple submitters, no conflicts (2 of 4 stars). 2 submissions from 2 submitters: Uncertain significance (2). Last evaluated 2026-01-02.

Conditions:
Dyskeratosis congenita. Identifiers: Orphanet 1775, MedGen C0265965, MONDO:0015780.

Allele frequency attached by ClinVar (database versions not stated): TOPMed 0.00001; gnomAD exomes 0.00002 and 0.00001; gnomAD 0.00001; ExAC 0.00002.

Submissions (2):

Dasa
Classification: Uncertain significance. Last evaluated: 2026-01-02. Review status: criteria provided, single submitter. Criteria: DASA Assertion Criteria. Collection method: clinical testing. Allele origin: germline.
Comment: NM_025099.6(CTC1):c.1166G>A (p.Arg389His) is a missense variant that results in the substitution of arginine with histidine. This variant is rare in population databases. Computational prediction algorithms are consistent with a benign effect. The currently available literature and clinical evidence are not sufficient to establish a definitive association between this variant and the reported condition. Therefore, this variant is classified as a variant of uncertain significance.

Labcorp Genetics (formerly Invitae), Labcorp
Classification: Uncertain significance for Dyskeratosis congenita. Last evaluated: 2023-08-10. Review status: criteria provided, single submitter. Criteria: Invitae Variant Classification Sherloc (09022015). Collection method: clinical testing. Allele origin: germline.
Comment: In summary, the available evidence is currently insufficient to determine the role of this variant in disease. Therefore, it has been classified as a Variant of Uncertain Significance. This sequence change replaces arginine, which is basic and polar, with histidine, which is basic and polar, at codon 389 of the CTC1 protein (p.Arg389His). This variant is present in population databases (rs758605320, gnomAD 0.003%). This variant has not been reported in the literature in individuals affected with CTC1-related conditions. ClinVar contains an entry for this variant (Variation ID: 655792). Advanced modeling of protein sequence and biophysical properties (such as structural, functional, and spatial information, amino acid conservation, physicochemical variation, residue mobility, and thermodynamic stability) performed at Invitae indicates that this missense variant is not expected to disrupt CTC1 protein function.

NM_025099.6(CTC1):c.1166G>A (p.Arg389His)

Gene: CTC1 (CST telomere replication complex component 1; minus strand). Cytogenetic location: 17p13.1.
Variant type: single nucleotide variant.
Coding change: c.1166G>A on transcript NM_025099.6 (MANE Select); coding-DNA position 1166, G replaced by A.
Protein change: p.Arg389His; replaces arginine 389 with histidine.
Molecular consequence: missense variant. On other transcripts: non-coding transcript variant (1).
Genome position (GRCh38, 1-based): chr17:8,235,871, C>T on the plus strand (G>A on the coding strand, the complement: CTC1 is on the minus strand). VCF-style: chr17-8235871-C-T. GRCh37 (hg19) VCF-style: chr17-8139189-C-T.
Other names: short protein forms R389H.
Identifiers: ClinVar variation 655792 (VCV000655792.6), dbSNP rs758605320, ClinGen allele CA8372442.